The following is an entry in ClinVar:

NM_025219.3(DNAJC5):c.538G>A (p.Glu180Lys)

Gene: DNAJC5 (DnaJ heat shock protein family (Hsp40) member C5; plus strand). Cytogenetic location: 20q13.33.
Variant type: single nucleotide variant.
Coding change: c.538G>A on transcript NM_025219.3 (MANE Select); coding-DNA position 538, G replaced by A.
Protein change: p.Glu180Lys; replaces glutamic acid 180 with lysine.
Molecular consequence: missense variant.
Genome position (GRCh38, 1-based): chr20:63,931,509, G>A. VCF-style: chr20-63931509-G-A. GRCh37 (hg19) VCF-style: chr20-62562862-G-A.
Other names: short protein forms E180K.
Identifiers: ClinVar variation 2147986 (VCV002147986.4), dbSNP rs2516803754, ClinGen allele CA409721173.

ClinVar aggregate classification (germline): Uncertain significance (1 of 4 stars; one submission).

Conditions:
Neuronal ceroid lipofuscinosis. Also called: Neuronal Ceroid Lipofuscinoses. Identifiers: Orphanet 216, Orphanet 79263, MedGen C0027877, MONDO:0016295. Disease mechanism: loss of function.

Submission:

Labcorp Genetics (formerly Invitae), Labcorp
Classification: Uncertain significance for Neuronal ceroid lipofuscinosis. Last evaluated: 2022-02-24. Review status: criteria provided, single submitter. Criteria: Invitae Variant Classification Sherloc (09022015). Collection method: clinical testing. Allele origin: germline.
Comment: In summary, the available evidence is currently insufficient to determine the role of this variant in disease. Therefore, it has been classified as a Variant of Uncertain Significance. Algorithms developed to predict the effect of missense changes on protein structure and function (SIFT, PolyPhen-2, Align-GVGD) all suggest that this variant is likely to be tolerated. This missense change has been observed in individual(s) with clinical features of neuronal ceroid lipofuscinosis (PMID: 32412666). This variant is not present in population databases (gnomAD no frequency). This sequence change replaces glutamic acid, which is acidic and polar, with lysine, which is basic and polar, at codon 180 of the DNAJC5 protein (p.Glu180Lys).

Literature cited by the submitters: PubMed 32412666.